The following is an entry in ClinVar:

ClinVar aggregate classification (germline): Uncertain significance. Review status: criteria provided, multiple submitters, no conflicts (2 of 4 stars). 2 submissions from 2 submitters: Uncertain significance (2). Last evaluated 2025-03-26.

Allele frequency attached by ClinVar (database versions not stated): gnomAD 0.00005 and 0.00006; gnomAD exomes 0.00006 and 0.00002; TOPMed 0.00006; ESP Exome Variant Server 0.00008; ExAC 0.00004.

Submissions (2):

Ambry Genetics
Classification: Uncertain significance. Last evaluated: 2025-03-26. Review status: criteria provided, single submitter. Criteria: Ambry Variant Classification Scheme 2023. Collection method: clinical testing. Allele origin: germline.

Labcorp Genetics (formerly Invitae), Labcorp
Classification: Uncertain significance. Last evaluated: 2022-07-19. Review status: criteria provided, single submitter. Criteria: Invitae Variant Classification Sherloc (09022015). Collection method: clinical testing. Allele origin: germline.
Comment: This sequence change replaces serine, which is neutral and polar, with arginine, which is basic and polar, at codon 438 of the CLCC1 protein (p.Ser438Arg). This variant is present in population databases (rs145516760, gnomAD 0.009%). This variant has not been reported in the literature in individuals affected with CLCC1-related conditions. ClinVar contains an entry for this variant (Variation ID: 860365). Algorithms developed to predict the effect of missense changes on protein structure and function are either unavailable or do not agree on the potential impact of this missense change (SIFT: "Deleterious"; PolyPhen-2: "Probably Damaging"; Align-GVGD: "Class C0"). In summary, the available evidence is currently insufficient to determine the role of this variant in disease. Therefore, it has been classified as a Variant of Uncertain Significance.

NM_001377458.1(CLCC1):c.1314C>A (p.Ser438Arg)

Gene: CLCC1 (chloride channel CLIC like 1; minus strand). Cytogenetic location: 1p13.3.
Variant type: single nucleotide variant.
Coding change: c.1314C>A on transcript NM_001377458.1 (MANE Select); coding-DNA position 1314, C replaced by A.
Protein change: p.Ser438Arg; replaces serine 438 with arginine.
Molecular consequence: missense variant. On other transcripts: non-coding transcript variant (1).
Genome position (GRCh38, 1-based): chr1:108,937,146, G>T on the plus strand (C>A on the coding strand, the complement: CLCC1 is on the minus strand). VCF-style: chr1-108937146-G-T. GRCh37 (hg19) VCF-style: chr1-109479768-G-T.
Other names: c.1314C>A, p.Ser438Arg (NM_001048210.3, NM_001377459.1, NM_001377460.1 and 8 more transcripts); c.951C>A, p.Ser317Arg (NM_001278202.2); c.759C>A, p.Ser253Arg (NM_001278203.1); c.1212C>A, p.Ser404Arg (NM_001377469.1); c.1023C>A, p.Ser341Arg (NM_001377470.1); c.1164C>A, p.Ser388Arg (NM_015127.5); c.1314C>A (NM_001048210.1); short protein forms S317R, S253R, S341R, S388R, S438R, S404R.
Identifiers: ClinVar variation 860365 (VCV000860365.8), dbSNP rs145516760, ClinGen allele CA983359.